The following is an entry in ClinVar:

ClinVar aggregate classification (germline): Uncertain significance (1 of 4 stars; one submission).

Submission:

Women's Health and Genetics/Laboratory Corporation of America, LabCorp
Classification: Uncertain significance. Last evaluated: 2022-03-02. Review status: criteria provided, single submitter. Criteria: LabCorp Variant Classification Summary - May 2015. Collection method: clinical testing. Allele origin: germline.
Comment: Variant summary: The variant identified by MLPA or other technology involves the duplication of the entire NDUFS6 gene. A presumed nomenclature of c.(?_-37)_(*136_?)dup has been designated for the purposes of this classification. It has been assumed that this is a tandem duplication in direct orientation (Richardson_GIM_2018, Newman_AJHG_2015). A duplication of a 110Kb genomic region encompassing the entire NDUFS6 gene was found at a frequency of 9.2e-05 in 21694 control chromosomes (gnomAD, Structural Variants dataset). The available data on variant occurrences in the general population are insufficient to allow any conclusion about variant significance. To our knowledge, no occurrence of c.(?_-37)_(*136_?)dup in individuals affected with Leigh Syndrome and no experimental evidence demonstrating its impact on protein function have been reported. No clinical diagnostic laboratories have submitted clinical-significance assessments for this variant to ClinVar after 2014. Based on the evidence outlined above, the variant was classified as uncertain significance.

NC_000005.9:g.(?_1801495)_(1816166_?)dup

Gene: NDUFS6 (NADH:ubiquinone oxidoreductase subunit S6; plus strand). Cytogenetic location: 5p15.33.
Variant type: Duplication.
Identifiers: ClinVar variation 1677163 (VCV001677163.1).